The following is an entry in ClinVar:

ClinVar aggregate classification (germline): Uncertain significance (1 of 4 stars; one submission).

Submission:

Mayo Clinic Laboratories, Mayo Clinic
Classification: Uncertain significance. Last evaluated: 2025-05-15. Review status: criteria provided, single submitter. Criteria: ACMG Guidelines, 2015. Collection method: clinical testing. Allele origin: germline. Observed: 1 variant allele.
Comment: PP2, PM2_supporting

Literature cited by the submitters: PubMed 36517271.

NM_000138.5(FBN1):c.3934T>G (p.Ser1312Ala)

Gene: FBN1 (fibrillin 1; minus strand). Cytogenetic location: 15q21.1.
Variant type: single nucleotide variant.
Coding change: c.3934T>G on transcript NM_000138.5 (MANE Select); coding-DNA position 3934, T replaced by G.
Protein change: p.Ser1312Ala; replaces serine 1312 with alanine.
Molecular consequence: missense variant.
Genome position (GRCh38, 1-based): chr15:48,481,685, A>C on the plus strand (T>G on the coding strand, the complement: FBN1 is on the minus strand). VCF-style: chr15-48481685-A-C. GRCh37 (hg19) VCF-style: chr15-48773882-A-C.
Other names: p.Ser1312Ala; c.3934T>G, p.Ser1312Ala (NM_001406716.1); short protein forms S1312A.
Identifiers: ClinVar variation 4541945 (VCV004541945.1).
Genomic context (GRCh38, chr15:48,481,685, plus strand): 5'-TATTTTATTGTTCTACTTGAACAAACACACCTGTACAGCCAGTTTTTCCTTTTTTGCCGG[A>C]GTAGCCCATATCACAGTGGCAGATAAATGAGCCTTTCGTGTTTTCACAGGTCCCACTTAG-3'
Protein context (NP_000129.3, residues 1302-1322): SFICHCDMGY[Ser1312Ala]GKKGKTGCTD